The following is an entry in ClinVar:

NM_016507.4(CDK12):c.4003A>G (p.Asn1335Asp)

Gene: CDK12 (cyclin dependent kinase 12; plus strand). Cytogenetic location: 17q12.
Variant type: single nucleotide variant.
Coding change: c.4003A>G on transcript NM_016507.4 (MANE Select); coding-DNA position 4003, A replaced by G.
Protein change: p.Asn1335Asp; replaces asparagine 1335 with aspartic acid.
Molecular consequence: missense variant.
Genome position (GRCh38, 1-based): chr17:39,530,846, A>G. VCF-style: chr17-39530846-A-G. GRCh37 (hg19) VCF-style: chr17-37687099-A-G.
Other names: c.3976A>G, p.Asn1326Asp (NM_015083.4); short protein forms N1326D, N1335D.
Identifiers: ClinVar variation 4224243 (VCV004224243.1).
Genomic context (GRCh38, chr17:39,530,846, plus strand): 5'-CACCTGCCACATGAGCACCAGGCCTTGAGACCAATGGAGTACTCCACCCGACCCCGTCCA[A>G]ACAGGACTTATGGAAACACTGATGGGCCTGAAACAGGGTTCAGTGCCATTGACACTGATG-3'
Protein context (NP_057591.2, residues 1325-1345): PMEYSTRPRP[Asn1335Asp]RTYGNTDGPE

ClinVar aggregate classification (germline): Uncertain significance (1 of 4 stars; one submission).

gnomAD v4.1: 1 of 1,614,216 alleles (0.000062%); highest among the groups gnomAD compares: Non-Finnish European, 0.000085%; no homozygotes.

Submission:

Ambry Genetics
Classification: Uncertain significance. Last evaluated: 2025-07-01. Review status: criteria provided, single submitter. Criteria: Ambry Variant Classification Scheme 2023. Collection method: clinical testing. Allele origin: germline.
Comment: The p.N1335D variant (also known as c.4003A>G), located in coding exon 14 of the CDK12 gene, results from an A to G substitution at nucleotide position 4003. The asparagine at codon 1335 is replaced by aspartic acid, an amino acid with highly similar properties. This amino acid position is conserved. In addition, this alteration is predicted to be tolerated by in silico analysis. Based on the available evidence, the clinical significance of this variant remains unclear.